The following is an entry in ClinVar:

NM_002293.4(LAMC1):c.*5T>A

Gene: LAMC1 (laminin subunit gamma 1; plus strand). Cytogenetic location: 1q25.3.
Variant type: single nucleotide variant.
Coding change: c.*5T>A on transcript NM_002293.4 (MANE Select); 5 bases downstream of the stop codon, T replaced by A.
Molecular consequence: 3 prime UTR variant.
Genome position (GRCh38, 1-based): chr1:183,142,795, T>A. VCF-style: chr1-183142795-T-A. GRCh37 (hg19) VCF-style: chr1-183111930-T-A.
Identifiers: ClinVar variation 3039236 (VCV003039236.2), dbSNP rs1314237291, ClinGen allele CA2740090417.
Genomic context (GRCh38, chr1:183,142,795, plus strand): 5'-TCAGGAAGACCTTACCATCTGGCTGCTTCAACACCCCGTCCATTGAAAAGCCCTAGTGTC[T>A]TTAGGGCTGGAAGGCAGCATCCCTCTGACAGGGGGGCAGTTGTGAGGCCACAGAGTGCCT-3'

ClinVar aggregate classification (germline): Likely benign (0 of 4 stars; one submission).

Conditions:
LAMC1-related disorder. Also called: LAMC1-related condition.

Submission:

PreventionGenetics, part of Exact Sciences
Classification: Likely benign for LAMC1-related condition. Last evaluated: 2019-12-16. Review status: no assertion criteria provided. Collection method: clinical testing. Allele origin: germline.
Comment: This variant is classified as likely benign based on ACMG/AMP sequence variant interpretation guidelines (Richards et al. 2015 PMID: 25741868, with internal and published modifications).